The following is an entry in ClinVar:

ClinVar aggregate classification (germline): Uncertain significance. Review status: criteria provided, multiple submitters, no conflicts (2 of 4 stars). 2 submissions from 2 submitters: Uncertain significance (2). Last evaluated 2024-07-20.

Conditions:
Malignant hyperthermia, susceptibility to, 5 (MHS5). Also called: CACNA1S-Related Malignant Hyperthermia Susceptibility. Identifiers: Orphanet 423, MedGen C1866077, MONDO:0011163, OMIM 601887.

Submissions (2):

All of Us Research Program, National Institutes of Health
Classification: Uncertain significance for Malignant hyperthermia, susceptibility to, 5. Last evaluated: 2024-07-20. Review status: criteria provided, single submitter. Criteria: ACMG Guidelines, 2015. Collection method: clinical testing. Allele origin: germline. Inheritance: Autosomal dominant inheritance. Observed: 1 variant allele, 1 heterozygote.
Comment: This missense variant replaces threonine with isoleucine at codon 35 of the CACNA1S protein. Computational prediction suggests that this variant may not impact protein structure and function (internally defined REVEL score threshold <= 0.5, PMID: 27666373). To our knowledge, functional studies have not been reported for this variant. This variant has not been reported in individuals affected with CACNA1S-related disorders in the literature. This variant has not been identified in the general population by the Genome Aggregation Database (gnomAD). The available evidence is insufficient to determine the role of this variant in disease conclusively. Therefore, this variant is classified as a Variant of Uncertain Significance.

This study involves interpretation of variants in research participants for the purpose of population health screening. Participant phenotype was not available at the time of variant classification. Additional details can be found in publication PMID: 35346344, PMCID: PMC8962531

Women's Health and Genetics/Laboratory Corporation of America, LabCorp
Classification: Uncertain significance. Last evaluated: 2024-03-12. Review status: criteria provided, single submitter. Criteria: LabCorp Variant Classification Summary - May 2015. Collection method: clinical testing. Allele origin: germline.
Comment: Variant summary: CACNA1S c.104C>T (p.Thr35Ile) results in a non-conservative amino acid change in the encoded protein sequence. Four of five in-silico tools predict a damaging effect of the variant on protein function. The variant was absent in 251458 control chromosomes. The available data on variant occurrences in the general population are insufficient to allow any conclusion about variant significance. To our knowledge, no occurrence of c.104C>T in individuals affected with Hypokalemic Periodic Paralysis and no experimental evidence demonstrating its impact on protein function have been reported. No submitters have cited clinical-significance assessments for this variant to ClinVar. Based on the evidence outlined above, the variant was classified as uncertain significance.

NM_000069.3(CACNA1S):c.104C>T (p.Thr35Ile)

Gene: CACNA1S (calcium voltage-gated channel subunit alpha1 S; minus strand). Cytogenetic location: 1q32.1.
Variant type: single nucleotide variant.
Coding change: c.104C>T on transcript NM_000069.3 (MANE Select); coding-DNA position 104, C replaced by T.
Protein change: p.Thr35Ile; replaces threonine 35 with isoleucine.
Molecular consequence: missense variant.
Genome position (GRCh38, 1-based): chr1:201,112,236, G>A on the plus strand (C>T on the coding strand, the complement: CACNA1S is on the minus strand). VCF-style: chr1-201112236-G-A. GRCh37 (hg19) VCF-style: chr1-201081364-G-A.
Other names: short protein forms T35I.
Identifiers: ClinVar variation 3233486 (VCV003233486.3), dbSNP rs2464701502, ClinGen allele CA344157946.